The following is an entry in ClinVar:

NM_016366.3(CABP2):c.302G>A (p.Arg101Gln)

Gene: CABP2 (calcium binding protein 2; minus strand). Cytogenetic location: 11q13.2.
Variant type: single nucleotide variant.
Coding change: c.302G>A on transcript NM_016366.3 (MANE Select); coding-DNA position 302, G replaced by A.
Protein change: p.Arg101Gln; replaces arginine 101 with glutamine.
Molecular consequence: missense variant.
Genome position (GRCh38, 1-based): chr11:67,521,102, C>T on the plus strand (G>A on the coding strand, the complement: CABP2 is on the minus strand). VCF-style: chr11-67521102-C-T. GRCh37 (hg19) VCF-style: chr11-67288573-C-T.
Other names: c.320G>A, p.Arg107Gln (NM_001318496.2); short protein forms R107Q, R101Q.
Identifiers: ClinVar variation 2297371 (VCV002297371.6), dbSNP rs963261198, ClinGen allele CA224145221.

ClinVar aggregate classification (germline): Uncertain significance. Review status: criteria provided, multiple submitters, no conflicts (2 of 4 stars). 3 submissions from 3 submitters: Uncertain significance (3). Last evaluated 2026-07-10.

Conditions:
Inborn genetic diseases. Identifiers: MedGen C0950123, MeSH D030342.

Allele frequency attached by ClinVar (database versions not stated): gnomAD 0.00001; TOPMed 0.00002.
gnomAD v4.1: 10 of 1,613,576 alleles (0.00062%); highest among the groups gnomAD compares: Middle Eastern, 0.016%; no homozygotes.

Submissions (3):

GeneDx
Classification: Uncertain significance. Last evaluated: 2026-07-10. Review status: criteria provided, single submitter. Criteria: GeneDx Variant Classification Process June 2021. Collection method: clinical testing. Allele origin: germline.
Comment: Not observed at significant frequency in large population cohorts (gnomAD); In silico analysis suggests that this missense variant does not alter protein structure/function; Has not been previously published as pathogenic or benign to our knowledge

Labcorp Genetics (formerly Invitae), Labcorp
Classification: Uncertain significance. Last evaluated: 2024-04-08. Review status: criteria provided, single submitter. Criteria: Invitae Variant Classification Sherloc (09022015). Collection method: clinical testing. Allele origin: germline.
Comment: This sequence change replaces arginine, which is basic and polar, with glutamine, which is neutral and polar, at codon 101 of the CABP2 protein (p.Arg101Gln). This variant is not present in population databases (gnomAD no frequency). This variant has not been reported in the literature in individuals affected with CABP2-related conditions. ClinVar contains an entry for this variant (Variation ID: 2297371). Algorithms developed to predict the effect of missense changes on protein structure and function output the following: SIFT: "Not Available"; PolyPhen-2: "Benign"; Align-GVGD: "Not Available". The glutamine amino acid residue is found in multiple mammalian species, which suggests that this missense change does not adversely affect protein function. In summary, the available evidence is currently insufficient to determine the role of this variant in disease. Therefore, it has been classified as a Variant of Uncertain Significance.

Ambry Genetics
Classification: Uncertain significance for Inborn genetic diseases. Last evaluated: 2022-06-24. Review status: criteria provided, single submitter. Criteria: Ambry Variant Classification Scheme 2023. Collection method: clinical testing. Allele origin: germline.